The following is an entry in ClinVar:

ClinVar aggregate classification (germline): Uncertain significance (1 of 4 stars; one submission).

Submission:

Ambry Genetics
Classification: Uncertain significance. Last evaluated: 2025-01-18. Review status: criteria provided, single submitter. Criteria: Ambry Variant Classification Scheme 2023. Collection method: clinical testing. Allele origin: germline.
Comment: The p.G1633R variant (also known as c.4897G>A), located in coding exon 20 of the WNK2 gene, results from a G to A substitution at nucleotide position 4897. The glycine at codon 1633 is replaced by arginine, an amino acid with dissimilar properties. This amino acid position is conserved. In addition, this alteration is predicted to be tolerated by in silico analysis. Based on the available evidence, the clinical significance of this variant remains unclear.

NM_006648.4(WNK2):c.4897G>A (p.Gly1633Arg)

Gene: WNK2 (WNK lysine deficient protein kinase 2; plus strand). Cytogenetic location: 9q22.31.
Variant type: single nucleotide variant.
Coding change: c.4897G>A on transcript NM_006648.4 (MANE Select); coding-DNA position 4897, G replaced by A.
Protein change: p.Gly1633Arg; replaces glycine 1633 with arginine.
Molecular consequence: missense variant.
Genome position (GRCh38, 1-based): chr9:93,290,008, G>A. VCF-style: chr9-93290008-G-A. GRCh37 (hg19) VCF-style: chr9-96052290-G-A.
Other names: c.5008G>A, p.Gly1670Arg (NM_001282394.3); short protein forms G1633R, G1670R.
Identifiers: ClinVar variation 3816870 (VCV003816870.1).